The following is an entry in ClinVar:

ClinVar aggregate classification (germline): Pathogenic (1 of 4 stars; one submission).

Conditions:
Citrullinemia. Identifiers: Orphanet 187, MedGen C0175683, MONDO:0015991.

Submission:

Labcorp Genetics (formerly Invitae), Labcorp
Classification: Pathogenic for Citrullinemia. Last evaluated: 2024-01-08. Review status: criteria provided, single submitter. Criteria: Invitae Variant Classification Sherloc (09022015). Collection method: clinical testing. Allele origin: germline.
Comment: This sequence change creates a premature translational stop signal (p.Tyr163*) in the ASS1 gene. It is expected to result in an absent or disrupted protein product. Loss-of-function variants in ASS1 are known to be pathogenic (PMID: 18473344, 19006241). This variant is not present in population databases (gnomAD no frequency). This premature translational stop signal has been observed in individual(s) with ASS1-related conditions (PMID: 33851512). ClinVar contains an entry for this variant (Variation ID: 1457339). For these reasons, this variant has been classified as Pathogenic.

Literature cited by the submitters: PubMed 18473344; PubMed 19006241; PubMed 33851512.

NM_054012.4(ASS1):c.489C>G (p.Tyr163Ter)

Gene: ASS1 (argininosuccinate synthase 1; plus strand). Cytogenetic location: 9q34.11.
Variant type: single nucleotide variant.
Coding change: c.489C>G on transcript NM_054012.4 (MANE Select); coding-DNA position 489, C replaced by G.
Protein change: p.Tyr163Ter; replaces tyrosine 163 with a stop codon.
Molecular consequence: nonsense.
Genome position (GRCh38, 1-based): chr9:130,466,793, C>G. VCF-style: chr9-130466793-C-G. GRCh37 (hg19) VCF-style: chr9-133342180-C-G.
Other names: c.489C>G, p.Tyr163Ter (NM_000050.4); short protein forms Y163*.
Identifiers: ClinVar variation 1457339 (VCV001457339.6), dbSNP rs377319610, ClinGen allele CA375226517.